The following is an entry in ClinVar:

NM_014264.5(PLK4):c.2812T>C (p.Tyr938His)

Gene: PLK4 (polo like kinase 4; plus strand). Cytogenetic location: 4q28.1.
Variant type: single nucleotide variant.
Coding change: c.2812T>C on transcript NM_014264.5 (MANE Select); coding-DNA position 2812, T replaced by C.
Protein change: p.Tyr938His; replaces tyrosine 938 with histidine.
Molecular consequence: missense variant.
Genome position (GRCh38, 1-based): chr4:127,898,440, T>C. VCF-style: chr4-127898440-T-C. GRCh37 (hg19) VCF-style: chr4-128819595-T-C.
Other names: c.2716T>C, p.Tyr906His (NM_001190799.2); c.2689T>C, p.Tyr897His (NM_001190801.2); short protein forms Y897H, Y906H, Y938H.
Identifiers: ClinVar variation 1008516 (VCV001008516.5), dbSNP rs1735658894, ClinGen allele CA358165566.
Genomic context (GRCh38, chr4:127,898,440, plus strand): 5'-CTCATGAGAACCAAGTAATTCAGTTACGATTTTGTCTTTTTTTCTTTTGCTTCACTTAGG[T>C]ATGGAGAAAATGAAAAATTACCAGACTACATCAAACAGAAATTACAGTGTCTGTCTTCCA-3'
Protein context (NP_055079.3, residues 928-948): YTSPNGQTTR[Tyr938His]GENEKLPDYI

ClinVar aggregate classification (germline): Uncertain significance (1 of 4 stars; one submission).

Submission:

Labcorp Genetics (formerly Invitae), Labcorp
Classification: Uncertain significance. Last evaluated: 2022-07-26. Review status: criteria provided, single submitter. Criteria: Invitae Variant Classification Sherloc (09022015). Collection method: clinical testing. Allele origin: germline.
Comment: This variant has not been reported in the literature in individuals affected with PLK4-related conditions. ClinVar contains an entry for this variant (Variation ID: 1008516). Algorithms developed to predict the effect of missense changes on protein structure and function are either unavailable or do not agree on the potential impact of this missense change (SIFT: "Tolerated"; PolyPhen-2: "Probably Damaging"; Align-GVGD: "Class C0"). In summary, the available evidence is currently insufficient to determine the role of this variant in disease. Therefore, it has been classified as a Variant of Uncertain Significance. This variant is not present in population databases (gnomAD no frequency). This sequence change replaces tyrosine, which is neutral and polar, with histidine, which is basic and polar, at codon 938 of the PLK4 protein (p.Tyr938His).